The following is an entry in ClinVar:

NM_014491.4(FOXP2):c.540G>A (p.Gln180=)

Gene: FOXP2 (forkhead box P2; plus strand). Cytogenetic location: 7q31.1.
Variant type: single nucleotide variant.
Coding change: c.540G>A on transcript NM_014491.4 (MANE Select); coding-DNA position 540, G replaced by A.
Protein change: p.Gln180=; no amino-acid change (glutamine 180 retained).
Molecular consequence: synonymous variant. On other transcripts: non-coding transcript variant (2).
Genome position (GRCh38, 1-based): chr7:114,629,948, G>A. VCF-style: chr7-114629948-G-A. GRCh37 (hg19) VCF-style: chr7-114270003-G-A.
Other names: c.540G>A, p.Gln180= (NM_001172766.3, NM_148899.3); c.615G>A, p.Gln205= (NM_001172767.2, NM_148898.4); c.591G>A, p.Gln197= (NM_148900.4).
Identifiers: ClinVar variation 3771135 (VCV003771135.13).

ClinVar aggregate classification (germline): Likely benign (1 of 4 stars; one submission).

Submission:

CeGaT Center for Human Genetics Tuebingen
Classification: Likely benign. Last evaluated: 2025-05-01. Review status: criteria provided, single submitter. Criteria: CeGaT Center For Human Genetics Tuebingen Variant Classification Criteria Version 2. Collection method: clinical testing. Allele origin: germline. Affected: yes. Observed: 2 variant alleles.
Comment: FOXP2: PM2:Supporting, BP4, BP7